The following is an entry in ClinVar:

ClinVar aggregate classification (germline): Uncertain significance (1 of 4 stars; one submission).

Submission:

Labcorp Genetics (formerly Invitae), Labcorp
Classification: Uncertain significance. Last evaluated: 2023-01-22. Review status: criteria provided, single submitter. Criteria: Invitae Variant Classification Sherloc (09022015). Collection method: clinical testing. Allele origin: germline.
Comment: In summary, the available evidence is currently insufficient to determine the role of this variant in disease. Therefore, it has been classified as a Variant of Uncertain Significance. Algorithms developed to predict the effect of missense changes on protein structure and function are either unavailable or do not agree on the potential impact of this missense change (SIFT: "Deleterious"; PolyPhen-2: "Probably Damaging"; Align-GVGD: "Class C0"). This variant has not been reported in the literature in individuals affected with NAA15-related conditions. This variant is not present in population databases (gnomAD no frequency). This sequence change replaces aspartic acid, which is acidic and polar, with histidine, which is basic and polar, at codon 438 of the NAA15 protein (p.Asp438His).

NM_057175.5(NAA15):c.1312G>C (p.Asp438His)

Gene: NAA15 (N-alpha-acetyltransferase 15, NatA auxiliary subunit; plus strand). Cytogenetic location: 4q31.1.
Variant type: single nucleotide variant.
Coding change: c.1312G>C on transcript NM_057175.5 (MANE Select); coding-DNA position 1312, G replaced by C.
Protein change: p.Asp438His; replaces aspartic acid 438 with histidine.
Molecular consequence: missense variant.
Genome position (GRCh38, 1-based): chr4:139,359,797, G>C. VCF-style: chr4-139359797-G-C. GRCh37 (hg19) VCF-style: chr4-140280951-G-C.
Other names: c.1312G>C, p.Asp438His (NM_001410842.1, NM_025085.2); short protein forms D438H.
Identifiers: ClinVar variation 2831196 (VCV002831196.3), dbSNP rs2530417248, ClinGen allele CA358267374.
Genomic context (GRCh38, chr4:139,359,797, plus strand): 5'-TATAAGCATGCTGGAAATATTAAAGAAGCTGCAAGGTGGATGGATGAGGCCCAGGCCTTG[G>C]ACACAGCAGACAGATTTATCAACTCCAAATGTGCAAAATACATGCTAAAAGCCAACCTGA-3'
Protein context (NP_476516.1, residues 428-448): ARWMDEAQAL[Asp438His]TADRFINSKC